The following is an entry in ClinVar:

NM_003331.5(TYK2):c.2503G>C (p.Glu835Gln)

Gene: TYK2 (tyrosine kinase 2; minus strand). Cytogenetic location: 19p13.2.
Variant type: single nucleotide variant.
Coding change: c.2503G>C on transcript NM_003331.5 (MANE Select); coding-DNA position 2503, G replaced by C.
Protein change: p.Glu835Gln; replaces glutamic acid 835 with glutamine.
Molecular consequence: missense variant.
Genome position (GRCh38, 1-based): chr19:10,356,682, C>G on the plus strand (G>C on the coding strand, the complement: TYK2 is on the minus strand). VCF-style: chr19-10356682-C-G. GRCh37 (hg19) VCF-style: chr19-10467358-C-G.
Other names: short protein forms E835Q.
Identifiers: ClinVar variation 935365 (VCV000935365.9), dbSNP rs757987854, ClinGen allele CA9193020.

ClinVar aggregate classification (germline): Uncertain significance. Review status: criteria provided, multiple submitters, no conflicts (2 of 4 stars). 2 submissions from 2 submitters: Uncertain significance (2). Last evaluated 2024-05-20.

Conditions:
Inborn genetic diseases. Identifiers: MedGen C0950123, MeSH D030342.
Immunodeficiency 35 (IMD35). Also called: Susceptibility to infection due to TYK2 deficiency; TYK2 DEFICIENCY; HIES WITH ATYPICAL MYCOBACTERIOSIS, AUTOSOMAL RECESSIVE; HYPER-IgE SYNDROME WITH ATYPICAL MYCOBACTERIOSIS, AUTOSOMAL RECESSIVE. Identifiers: Orphanet 331226, MedGen C1969086, MONDO:0012682, OMIM 611521.

Allele frequency attached by ClinVar (database versions not stated): ExAC 0.00001.
gnomAD v4.1: 79 of 1,610,806 alleles (0.0049%); highest among the groups gnomAD compares: Non-Finnish European, 0.0066%; no homozygotes.

Submissions (2):

Ambry Genetics
Classification: Uncertain significance for Inborn genetic diseases. Last evaluated: 2024-05-20. Review status: criteria provided, single submitter. Criteria: Ambry Variant Classification Scheme 2023. Collection method: clinical testing. Allele origin: germline.

Labcorp Genetics (formerly Invitae), Labcorp
Classification: Uncertain significance for Immunodeficiency 35. Last evaluated: 2023-09-18. Review status: criteria provided, single submitter. Criteria: Invitae Variant Classification Sherloc (09022015). Collection method: clinical testing. Allele origin: germline.
Comment: This sequence change replaces glutamic acid, which is acidic and polar, with glutamine, which is neutral and polar, at codon 835 of the TYK2 protein (p.Glu835Gln). This variant is not present in population databases (gnomAD no frequency). This variant has not been reported in the literature in individuals affected with TYK2-related conditions. ClinVar contains an entry for this variant (Variation ID: 935365). Advanced modeling of protein sequence and biophysical properties (such as structural, functional, and spatial information, amino acid conservation, physicochemical variation, residue mobility, and thermodynamic stability) performed at Invitae indicates that this missense variant is not expected to disrupt TYK2 protein function. In summary, the available evidence is currently insufficient to determine the role of this variant in disease. Therefore, it has been classified as a Variant of Uncertain Significance.